The following is an entry in ClinVar:

ClinVar aggregate classification (germline): Uncertain significance. Review status: criteria provided, multiple submitters, no conflicts (2 of 4 stars). 2 submissions from 2 submitters: Uncertain significance (2). Last evaluated 2026-01-08.

Conditions:
Cyclical neutropenia. Also called: Cyclic Neutropenia; Cyclic hematopoiesis. Identifiers: Orphanet 2686, MedGen C0221023, MONDO:0008090, OMIM 162800, HP:0040289. Disease mechanism: loss of function.
Neutropenia, severe congenital, 1, autosomal dominant. Identifiers: MedGen C1859966, MONDO:0042490, OMIM 202700.
Inborn genetic diseases. Identifiers: MedGen C0950123, MeSH D030342.

Allele frequency attached by ClinVar (database versions not stated): TOPMed 0.00001; 1000 Genomes Project 0.00020; 1000 Genomes Project 30x 0.00031.
gnomAD v4.1: 32 of 1,602,246 alleles (0.002%); highest among the groups gnomAD compares: Non-Finnish European, 0.0027%; no homozygotes.

Submissions (2):

Labcorp Genetics (formerly Invitae), Labcorp
Classification: Uncertain significance for Neutropenia, severe congenital, 1, autosomal dominant; Cyclical neutropenia. Last evaluated: 2026-01-08. Review status: criteria provided, single submitter. Criteria: Invitae Variant Classification Sherloc (09022015). Collection method: clinical testing. Allele origin: germline.
Comment: This sequence change replaces arginine, which is basic and polar, with proline, which is neutral and non-polar, at codon 78 of the ELANE protein (p.Arg78Pro). This variant is present in population databases (rs569608929, gnomAD 0.001%). This variant has not been reported in the literature in individuals affected with ELANE-related conditions. ClinVar contains an entry for this variant (Variation ID: 839879). Invitae Evidence Modeling of protein sequence and biophysical properties (such as structural, functional, and spatial information, amino acid conservation, physicochemical variation, residue mobility, and thermodynamic stability) has been performed for this missense variant. However, the output from this modeling did not meet the statistical confidence thresholds required to predict the impact of this variant on ELANE protein function. In summary, the available evidence is currently insufficient to determine the role of this variant in disease. Therefore, it has been classified as a Variant of Uncertain Significance.

Ambry Genetics
Classification: Uncertain significance for Inborn genetic diseases. Last evaluated: 2025-07-17. Review status: criteria provided, single submitter. Criteria: Ambry Variant Classification Scheme 2023. Collection method: clinical testing. Allele origin: germline.
Comment: The p.R78P variant (also known as c.233G>C), located in coding exon 3 of the ELANE gene, results from a G to C substitution at nucleotide position 233. The arginine at codon 78 is replaced by proline, an amino acid with dissimilar properties. This amino acid position is conserved. In addition, the in silico prediction for this alteration is inconclusive. Based on the available evidence, the clinical significance of this variant remains unclear.

NM_001972.4(ELANE):c.233G>C (p.Arg78Pro)

Gene: ELANE (elastase, neutrophil expressed; plus strand). Cytogenetic location: 19p13.3.
Variant type: single nucleotide variant.
Coding change: c.233G>C on transcript NM_001972.4 (MANE Select); coding-DNA position 233, G replaced by C.
Protein change: p.Arg78Pro; replaces arginine 78 with proline.
Molecular consequence: missense variant.
Genome position (GRCh38, 1-based): chr19:853,270, G>C. VCF-style: chr19-853270-G-C. GRCh37 (hg19) VCF-style: chr19-853270-G-C.
Other names: short protein forms R78P.
Identifiers: ClinVar variation 839879 (VCV000839879.7), dbSNP rs569608929, ClinGen allele CA9025980.